The following is an entry in ClinVar:

NM_144631.6(ZNF513):c.701C>G (p.Pro234Arg)

Gene: ZNF513 (zinc finger protein 513; minus strand). Cytogenetic location: 2p23.3.
Variant type: single nucleotide variant.
Coding change: c.701C>G on transcript NM_144631.6 (MANE Select); coding-DNA position 701, C replaced by G.
Protein change: p.Pro234Arg; replaces proline 234 with arginine.
Molecular consequence: missense variant.
Genome position (GRCh38, 1-based): chr2:27,378,565, G>C on the plus strand (C>G on the coding strand, the complement: ZNF513 is on the minus strand). VCF-style: chr2-27378565-G-C. GRCh37 (hg19) VCF-style: chr2-27601432-G-C.
Other names: c.515C>G, p.Pro172Arg (NM_001201459.2); short protein forms P234R, P172R.
Identifiers: ClinVar variation 2012482 (VCV002012482.4), dbSNP rs2465624039, ClinGen allele CA346217706.

ClinVar aggregate classification (germline): Uncertain significance (1 of 4 stars; one submission).

Submission:

Labcorp Genetics (formerly Invitae), Labcorp
Classification: Uncertain significance. Last evaluated: 2024-06-21. Review status: criteria provided, single submitter. Criteria: Invitae Variant Classification Sherloc (09022015). Collection method: clinical testing. Allele origin: germline.
Comment: This sequence change replaces proline, which is neutral and non-polar, with arginine, which is basic and polar, at codon 234 of the ZNF513 protein (p.Pro234Arg). This variant is not present in population databases (gnomAD no frequency). This variant has not been reported in the literature in individuals affected with ZNF513-related conditions. ClinVar contains an entry for this variant (Variation ID: 2012482). An algorithm developed to predict the effect of missense changes on protein structure and function (PolyPhen-2) suggests that this variant is likely to be disruptive. In summary, the available evidence is currently insufficient to determine the role of this variant in disease. Therefore, it has been classified as a Variant of Uncertain Significance.